The following is an entry in ClinVar:

ClinVar aggregate classification (germline): Uncertain significance (1 of 4 stars; one submission).

Submission:

GeneDx
Classification: Uncertain significance. Last evaluated: 2023-10-16. Review status: criteria provided, single submitter. Criteria: GeneDx Variant Classification Process June 2021. Collection method: clinical testing. Allele origin: germline. Affected: yes.
Comment: Not observed at significant frequency in large population cohorts (gnomAD); Missense variants in this gene are a common cause of disease and they are underrepresented in the general population; In silico analysis supports that this missense variant does not alter protein structure/function; Has not been previously published as pathogenic or benign to our knowledge

NM_005633.4(SOS1):c.123T>G (p.Asn41Lys)

Gene: SOS1 (SOS Ras/Rac guanine nucleotide exchange factor 1; minus strand). Cytogenetic location: 2p22.1.
Variant type: single nucleotide variant.
Coding change: c.123T>G on transcript NM_005633.4 (MANE Select); coding-DNA position 123, T replaced by G.
Protein change: p.Asn41Lys; replaces asparagine 41 with lysine.
Molecular consequence: missense variant.
Genome position (GRCh38, 1-based): chr2:39,067,718, A>C on the plus strand (T>G on the coding strand, the complement: SOS1 is on the minus strand). VCF-style: chr2-39067718-A-C. GRCh37 (hg19) VCF-style: chr2-39294859-A-C.
Other names: c.102T>G, p.Asn34Lys (NM_001382394.1); c.123T>G, p.Asn41Lys (NM_001382395.1); short protein forms N34K, N41K.
Identifiers: ClinVar variation 3366074 (VCV003366074.1).